The following is an entry in ClinVar:

ClinVar aggregate classification (germline): Conflicting classifications of pathogenicity. Review status: criteria provided, conflicting classifications (1 of 4 stars). 2 submissions from 2 submitters: Uncertain significance (1); Likely benign (1). Last evaluated 2025-10-02.

Conditions:
Developmental disorder. Identifiers: MedGen C0008073.

Allele frequency attached by ClinVar (database versions not stated): TOPMed 0.00002; gnomAD 0.00001; ExAC 0.00002; ESP Exome Variant Server 0.00008.
gnomAD v4.1: 17 of 1,603,538 alleles (0.0011%); highest among the groups gnomAD compares: African/African-American, 0.0027%; no homozygotes.

Submissions (2):

Labcorp Genetics (formerly Invitae), Labcorp
Classification: Uncertain significance. Last evaluated: 2025-10-02. Review status: criteria provided, single submitter. Criteria: Invitae Variant Classification Sherloc (09022015). Collection method: clinical testing. Allele origin: germline.
Comment: This sequence change replaces proline, which is neutral and non-polar, with leucine, which is neutral and non-polar, at codon 1360 of the TRRAP protein (p.Pro1360Leu). This variant is present in population databases (rs139426093, gnomAD 0.006%). This variant has not been reported in the literature in individuals affected with TRRAP-related conditions. ClinVar contains an entry for this variant (Variation ID: 1343181). Invitae Evidence Modeling of protein sequence and biophysical properties (such as structural, functional, and spatial information, amino acid conservation, physicochemical variation, residue mobility, and thermodynamic stability) indicates that this missense variant is not expected to disrupt TRRAP protein function with a negative predictive value of 80%. In summary, the available evidence is currently insufficient to determine the role of this variant in disease. Therefore, it has been classified as a Variant of Uncertain Significance.

Department of Genetics, Rouen University Hospital, Normandy Center for Genomic and Personalized Medicine
Classification: Likely benign for Developmental disorder. Last evaluated: 2020-11-23. Review status: criteria provided, single submitter. Criteria: ACMG Guidelines, 2015. Collection method: clinical testing. Allele origin: maternal. Affected: yes.

NM_001375524.1(TRRAP):c.4079C>T (p.Pro1360Leu)

Gene: TRRAP (transformation/transcription domain associated protein; plus strand). Cytogenetic location: 7q22.1.
Variant type: single nucleotide variant.
Coding change: c.4079C>T on transcript NM_001375524.1 (MANE Select); coding-DNA position 4079, C replaced by T.
Protein change: p.Pro1360Leu; replaces proline 1360 with leucine.
Molecular consequence: missense variant.
Genome position (GRCh38, 1-based): chr7:98,935,643, C>T. VCF-style: chr7-98935643-C-T. GRCh37 (hg19) VCF-style: chr7-98533266-C-T.
Other names: c.4079C>T, p.Pro1360Leu (NM_001244580.2, NM_003496.4); short protein forms P1360L.
Identifiers: ClinVar variation 1343181 (VCV001343181.5), dbSNP rs139426093, ClinGen allele CA4360147.